The following is an entry in ClinVar:

NM_001376.5(DYNC1H1):c.4501A>T (p.Ile1501Phe)

Gene: DYNC1H1 (dynein cytoplasmic 1 heavy chain 1; plus strand). Cytogenetic location: 14q32.31.
Variant type: single nucleotide variant.
Coding change: c.4501A>T on transcript NM_001376.5 (MANE Select); coding-DNA position 4501, A replaced by T.
Protein change: p.Ile1501Phe; replaces isoleucine 1501 with phenylalanine.
Molecular consequence: missense variant.
Genome position (GRCh38, 1-based): chr14:102,001,640, A>T. VCF-style: chr14-102001640-A-T. GRCh37 (hg19) VCF-style: chr14-102467977-A-T.
Other names: short protein forms I1501F.
Identifiers: ClinVar variation 1336986 (VCV001336986.4), dbSNP rs368821864, ClinGen allele CA391042740.

ClinVar aggregate classification (germline): Likely pathogenic (1 of 4 stars; one submission).

Submission:

Genetic Services Laboratory, University of Chicago
Classification: Likely pathogenic. Last evaluated: 2019-03-29. Review status: criteria provided, single submitter. Criteria: ACMG Guidelines, 2015. Collection method: clinical testing. Allele origin: germline. Affected: yes.
Comment: DNA sequence analysis of the DYNC1H1 gene demonstrated a sequence change, c.4501A>T, in exon 21 that results in an amino acid change, p.Ile1501Phe. This sequence change does not appear to have been previously described in patients with DYNC1H1-related disorders. It is a novel sequence change that is absent from the population databases (ExAC and gnomAD). The p.Ile1501Phe change affects a highly conserved amino acid residue located in a dynein heavy chain domain of the DYNC1H1 protein that is known to be functional. In-silico pathogenicity prediction tools (SIFT, PolyPhen2, Align GVGD, REVEL) provide contradictory results for the p.Ile1501Phe substitution.